The following is an entry in ClinVar:

NM_015459.5(ATL3):c.1309G>A (p.Val437Ile)

Genes: ATL3 (atlastin GTPase 3; minus strand), LNCROPM (lncRNA regulator of PLAAT3 mediated phospholipid metabolism; plus strand), LOC126861231 (CDK7 strongly-dependent group 2 enhancer GRCh37_chr11:63398741-63399940; plus strand). Cytogenetic location: 11q13.1.
Variant type: single nucleotide variant.
Coding change: c.1309G>A on transcript NM_015459.5 (MANE Select); coding-DNA position 1309, G replaced by A.
Protein change: p.Val437Ile; replaces valine 437 with isoleucine.
Molecular consequence: missense variant.
Genome position (GRCh38, 1-based): chr11:63,631,270, C>T on the plus strand (G>A on the coding strand, the complement: ATL3 is on the minus strand). VCF-style: chr11-63631270-C-T. GRCh37 (hg19) VCF-style: chr11-63398742-C-T.
Other names: c.1255G>A, p.Val419Ile (NM_001290048.2); c.1258G>A, p.Val420Ile (NM_001440716.1); c.1252G>A, p.Val418Ile (NM_001440717.1); c.1237G>A, p.Val413Ile (NM_001440718.1); c.1204G>A, p.Val402Ile (NM_001440719.1); c.1198G>A, p.Val400Ile (NM_001440720.1); c.1153G>A, p.Val385Ile (NM_001440721.1); c.1096G>A, p.Val366Ile (NM_001440722.1); and 1 more; short protein forms V418I, V419I, V420I, V437I, V385I, V400I, V366I, V402I.
Identifiers: ClinVar variation 4165034 (VCV004165034.2).
Genomic context (GRCh38, chr11:63,631,270, plus strand): 5'-CTATGTACAAAGCTACAATGCCCGTGAACAGCACTGCAGGGGTTCGGAAGGTGCTGAAGA[C>T]GTTCTTGCTACCATTGTGCTTGCAGAAGTTCTCATATAATTCCTTGATTTCCTCCTCCAG-3'
Protein context (NP_056274.3, residues 427-447): NFCKHNGSKN[Val437Ile]FSTFRTPAVL

ClinVar aggregate classification (germline): Conflicting classifications of pathogenicity. Review status: criteria provided, conflicting classifications (1 of 4 stars). 2 submissions from 2 submitters: Uncertain significance (1); Likely benign (1). Last evaluated 2025-10-16.

Conditions:
Inborn genetic diseases. Identifiers: MedGen C0950123, MeSH D030342.
ATL3-related disorder. Also called: ATL3-related condition.

gnomAD v4.1: 9 of 1,614,076 alleles (0.00056%); highest among the groups gnomAD compares: East Asian, 0.0067%; no homozygotes.

Submissions (2):

PreventionGenetics, part of Exact Sciences
Classification: Uncertain significance for ATL3-related condition. Last evaluated: 2025-10-16. Review status: criteria provided, single submitter. Criteria: ACMG Guidelines, 2015. Collection method: clinical testing. Allele origin: germline.
Comment: The ATL3 c.1309G>A variant is predicted to result in the amino acid substitution p.Val437Ile. To our knowledge, this variant has not been reported in the literature. This variant is reported in 0.020% of alleles in individuals of East Asian descent in gnomAD. At this time, the clinical significance of this variant is uncertain due to the absence of conclusive functional and genetic evidence.

Ambry Genetics
Classification: Likely benign for Inborn genetic diseases. Last evaluated: 2025-08-11. Review status: criteria provided, single submitter. Criteria: Ambry Variant Classification Scheme 2023. Collection method: clinical testing. Allele origin: germline.